The following is an entry in ClinVar:

NM_000051.4(ATM):c.2027C>A (p.Ser676Tyr)

Gene: ATM (ATM serine/threonine kinase; plus strand). Cytogenetic location: 11q22.3.
Variant type: single nucleotide variant.
Coding change: c.2027C>A on transcript NM_000051.4 (MANE Select); coding-DNA position 2027, C replaced by A.
Protein change: p.Ser676Tyr; replaces serine 676 with tyrosine.
Molecular consequence: missense variant.
Genome position (GRCh38, 1-based): chr11:108,253,942, C>A. VCF-style: chr11-108253942-C-A. GRCh37 (hg19) VCF-style: chr11-108124669-C-A.
Other names: c.2027C>A, p.Ser676Tyr (NM_001351834.2); short protein forms S676Y.
Identifiers: ClinVar variation 654044 (VCV000654044.10), dbSNP rs1219097850, ClinGen allele CA382537369.

ClinVar aggregate classification (germline): Uncertain significance. Review status: criteria provided, multiple submitters, no conflicts (2 of 4 stars). 3 submissions from 3 submitters: Uncertain significance (3). Last evaluated 2023-07-17.

Conditions:
ATM-related disorder. Also called: ATM-related disorders; ATM-related condition.
Ataxia-telangiectasia syndrome (AT). Also called: ATAXIA-TELANGIECTASIA, FRESNO VARIANT; Ataxia-telangiectasia, complementation group D; Cerebello-oculocutaneous telangiectasia; Immunodeficiency with ataxia telangiectasia; Ataxia-telangiectasia; Ataxia telangiectasia (A-T). Identifiers: Orphanet 100, MedGen C0004135, MONDO:0008840, OMIM 208900.

Allele frequency attached by ClinVar (database versions not stated): gnomAD exomes below 0.00001 and 0.00001; TOPMed below 0.00001; gnomAD 0.00001.
gnomAD v4.1: 3 of 1,613,922 alleles (0.00019%); highest among the groups gnomAD compares: East Asian, 0.0067%; no homozygotes.

Submissions (3):

PreventionGenetics, part of Exact Sciences
Classification: Uncertain significance for ATM-related condition. Last evaluated: 2023-07-17. Review status: criteria provided, single submitter. Criteria: ACMG Guidelines, 2015. Collection method: clinical testing. Allele origin: germline.
Comment: The ATM c.2027C>A variant is predicted to result in the amino acid substitution p.Ser676Tyr. To our knowledge, this variant has not been reported in the literature. This variant is reported in 2 of ~251,000 alleles in gnomAD. It is interpreted as uncertain significance in ClinVar. At this time, the clinical significance of this variant is uncertain due to the absence of conclusive functional and genetic evidence.

GeneDx
Classification: Uncertain significance. Last evaluated: 2023-01-17. Review status: criteria provided, single submitter. Criteria: GeneDx Variant Classification Process June 2021. Collection method: clinical testing. Allele origin: germline. Affected: yes.
Comment: Not observed at significant frequency in large population cohorts (gnomAD); In silico analysis supports that this missense variant has a deleterious effect on protein structure/function; Has not been previously published as pathogenic or benign to our knowledge

Labcorp Genetics (formerly Invitae), Labcorp
Classification: Uncertain significance for Ataxia-telangiectasia syndrome. Last evaluated: 2018-10-16. Review status: criteria provided, single submitter. Criteria: Invitae Variant Classification Sherloc (09022015). Collection method: clinical testing. Allele origin: germline.
Comment: In summary, the available evidence is currently insufficient to determine the role of this variant in disease. Therefore, it has been classified as a Variant of Uncertain Significance. Algorithms developed to predict the effect of missense changes on protein structure and function are either unavailable or do not agree on the potential impact of this missense change (SIFT: "Deleterious"; PolyPhen-2: "Benign"; Align-GVGD: "Class C0"). This variant has not been reported in the literature in individuals with ATM-related disease. This variant is not present in population databases (ExAC no frequency). This sequence change replaces serine with tyrosine at codon 676 of the ATM protein (p.Ser676Tyr). The serine residue is weakly conserved and there is a large physicochemical difference between serine and tyrosine.